The following is an entry in ClinVar:

ClinVar aggregate classification (germline): Benign/Likely benign. Review status: criteria provided, multiple submitters, no conflicts (2 of 4 stars). 14 submissions from 13 submitters: Benign (7); Likely benign (3). 4 of the submissions do not count toward it. Last evaluated 2026-08-01.

Conditions:
Connective tissue disorder. Also called: Connective tissue disease. Identifiers: MedGen C0009782, MONDO:0003900.
Type 2 collagenopathy. Identifiers: Orphanet 93421, MedGen C2931073, MONDO:0022800.
Stickler syndrome type 1 (STL1). Also called: ARTHROOPHTHALMOPATHY, HEREDITARY PROGRESSIVE; STICKLER SYNDROME, MEMBRANOUS VITREOUS TYPE; STICKLER SYNDROME, VITREOUS TYPE 1; COL2A1-Related Stickler Syndrome. Identifiers: Orphanet 828, Orphanet 90653, MedGen C2020284, MONDO:0007160, OMIM 108300.

Allele frequency attached by ClinVar (database versions not stated): 1000 Genomes Project 30x 0.00203; 1000 Genomes Project 0.00240; TOPMed 0.00307; ESP Exome Variant Server 0.00400; gnomAD 0.00456.
gnomAD v4.1: 7,381 of 1,611,182 alleles (0.46%); highest among the groups gnomAD compares: Non-Finnish European, 0.51%; 26 homozygotes.

Submissions (14):

CeGaT Center for Human Genetics Tuebingen
Classification: Benign. Last evaluated: 2026-08-01. Review status: criteria provided, single submitter. Criteria: CeGaT Center For Human Genetics Tuebingen Variant Classification Criteria Version 2. Collection method: clinical testing. Allele origin: germline. Affected: yes. Observed: 17 variant alleles.
Comment: COL2A1: BP4, BP7, BS1, BS2

Women's Health and Genetics/Laboratory Corporation of America, LabCorp
Classification: Benign. Last evaluated: 2026-05-13. Review status: criteria provided, single submitter. Criteria: LabCorp Variant Classification Summary - May 2015. Collection method: clinical testing. Allele origin: germline.

Labcorp Genetics (formerly Invitae), Labcorp
Classification: Benign. Last evaluated: 2026-02-01. Review status: criteria provided, single submitter. Criteria: Invitae Variant Classification Sherloc (09022015). Collection method: clinical testing. Allele origin: germline.

ARUP Laboratories, Molecular Genetics and Genomics, ARUP Laboratories
Classification: Benign. Last evaluated: 2025-04-09. Review status: criteria provided, single submitter. Criteria: ARUP Molecular Germline Variant Investigation Process 2024. Collection method: clinical testing. Allele origin: germline.

Blueprint Genetics
Classification: Likely benign. Last evaluated: 2024-11-26. Review status: criteria provided, single submitter. Criteria: ACMG Guidelines, 2015. Collection method: clinical testing. Allele origin: germline.

Genome Diagnostics Laboratory, The Hospital for Sick Children
Classification: Benign for Connective tissue disorder. Last evaluated: 2020-10-28. Review status: criteria provided, single submitter. Criteria: ACMG Guidelines, 2015. Collection method: clinical testing. Allele origin: germline.

Illumina Laboratory Services, Illumina
Classification: Likely benign for Stickler syndrome type 1. Last evaluated: 2018-01-13. Review status: criteria provided, single submitter. Criteria: ICSL Variant Classification Criteria 13 December 2019. Collection method: clinical testing. Allele origin: germline.
Comment: This variant was observed in the ICSL laboratory as part of a predisposition screen in an ostensibly healthy population. It had not been previously curated by ICSL or reported in the Human Gene Mutation Database (HGMD: prior to June 1st, 2018), and was therefore a candidate for classification through an automated scoring system. Utilizing variant allele frequency, disease prevalence and penetrance estimates, and inheritance mode, an automated score was calculated to assess if this variant is too frequent to cause the disease. Based on the score and internal cut-off values, a variant classified as likely benign is not then subjected to further curation. The score for this variant resulted in a classification of likely benign for this disease.

Illumina Laboratory Services, Illumina
Classification: Benign for Type II Collagenopathies. Last evaluated: 2018-01-13. Review status: criteria provided, single submitter. Criteria: ICSL Variant Classification Criteria 13 December 2019. Collection method: clinical testing. Allele origin: germline.
Comment: This variant was observed in the ICSL laboratory as part of a predisposition screen in an ostensibly healthy population. It had not been previously curated by ICSL or reported in the Human Gene Mutation Database (HGMD: prior to June 1st, 2018), and was therefore a candidate for classification through an automated scoring system. Utilizing variant allele frequency, disease prevalence and penetrance estimates, and inheritance mode, an automated score was calculated to assess if this variant is too frequent to cause the disease. Based on the score and internal cut-off values, a variant classified as benign is not then subjected to further curation. The score for this variant resulted in a classification of benign for this disease.

GeneDx
Classification: Benign. Last evaluated: 2017-09-19. Review status: criteria provided, single submitter. Criteria: GeneDx Variant Classification (06012015). Collection method: clinical testing. Allele origin: germline. Affected: yes.
Comment: This variant is considered likely benign or benign based on one or more of the following criteria: it is a conservative change, it occurs at a poorly conserved position in the protein, it is predicted to be benign by multiple in silico algorithms, and/or has population frequency not consistent with disease.

PreventionGenetics, part of Exact Sciences
Classification: Likely benign. Review status: criteria provided, single submitter. Criteria: ACMG Guidelines, 2015. Collection method: clinical testing. Allele origin: germline.

Clinical Genetics DNA and cytogenetics Diagnostics Lab, Erasmus MC, Erasmus Medical Center
Classification: Likely benign. Review status: no assertion criteria provided. Collection method: clinical testing. Allele origin: germline. Affected: yes. Study: VKGL Data-share Consensus. Not counted in ClinVar's aggregate classification.

Clinical Genetics, Academic Medical Center
Classification: Benign. Review status: no assertion criteria provided. Collection method: clinical testing. Allele origin: germline. Affected: yes. Study: VKGL Data-share Consensus. Not counted in ClinVar's aggregate classification.

Genome Diagnostics Laboratory, Amsterdam University Medical Center
Classification: Benign. Review status: no assertion criteria provided. Collection method: clinical testing. Allele origin: germline. Affected: yes. Study: VKGL Data-share Consensus. Not counted in ClinVar's aggregate classification.

Laboratory of Diagnostic Genome Analysis, Leiden University Medical Center (LUMC)
Classification: Likely benign. Review status: no assertion criteria provided. Collection method: clinical testing. Allele origin: germline. Affected: yes. Study: VKGL Data-share Consensus. Not counted in ClinVar's aggregate classification.

NM_001844.5(COL2A1):c.1221C>T (p.Ser407=)

Gene: COL2A1 (collagen type II alpha 1 chain; minus strand). Cytogenetic location: 12q13.11.
Variant type: single nucleotide variant.
Coding change: c.1221C>T on transcript NM_001844.5 (MANE Select); coding-DNA position 1221, C replaced by T.
Protein change: p.Ser407=; no amino-acid change (serine 407 retained).
Molecular consequence: synonymous variant.
Genome position (GRCh38, 1-based): chr12:47,987,611, G>A on the plus strand (C>T on the coding strand, the complement: COL2A1 is on the minus strand). VCF-style: chr12-47987611-G-A. GRCh37 (hg19) VCF-style: chr12-48381394-G-A.
Other names: c.1014C>T, p.Ser338= (NM_033150.3).
Identifiers: ClinVar variation 258206 (VCV000258206.62), dbSNP rs150865922, ClinGen allele CA6535579.